The following is an entry in ClinVar:

ClinVar aggregate classification (germline): Pathogenic/Likely pathogenic. Review status: criteria provided, multiple submitters, no conflicts (2 of 4 stars). 4 submissions from 4 submitters: Pathogenic (3); Likely pathogenic (1). Last evaluated 2024-03-05.

Conditions:
TULP1-related disorder. Also called: TULP1-related condition; TULP1-related disorders.
Leber congenital amaurosis 15 (LCA15). Identifiers: Orphanet 65, MedGen C3151206, MONDO:0013457, OMIM 613843.

gnomAD v4.1: 2 of 1,614,210 alleles (0.00012%); highest among the groups gnomAD compares: Non-Finnish European, 0.00017%; no homozygotes.

Submissions (4):

GeneDx
Classification: Pathogenic. Last evaluated: 2024-03-05. Review status: criteria provided, single submitter. Criteria: GeneDx Variant Classification Process June 2021. Collection method: clinical testing. Allele origin: germline. Affected: yes.
Comment: Nonsense variant predicted to result in protein truncation or nonsense mediated decay in a gene for which loss of function is a known mechanism of disease; Not observed at significant frequency in large population cohorts (gnomAD); This variant is associated with the following publications: (PMID: 36769033)

Blueprint Genetics
Classification: Likely pathogenic for TULP1-related disorders. Last evaluated: 2023-05-26. Review status: criteria provided, single submitter. Criteria: ACMG Guidelines, 2015. Collection method: clinical testing. Allele origin: germline. Affected: yes. Observed: 4 variant alleles.

Labcorp Genetics (formerly Invitae), Labcorp
Classification: Pathogenic. Last evaluated: 2022-11-15. Review status: criteria provided, single submitter. Criteria: Invitae Variant Classification Sherloc (09022015). Collection method: clinical testing. Allele origin: germline.
Comment: This sequence change creates a premature translational stop signal (p.Arg342*) in the TULP1 gene. It is expected to result in an absent or disrupted protein product. Loss-of-function variants in TULP1 are known to be pathogenic (PMID: 8606774, 10549638, 15024725, 18055821). This variant is not present in population databases (gnomAD no frequency). For these reasons, this variant has been classified as Pathogenic. This variant has not been reported in the literature in individuals affected with TULP1-related conditions. ClinVar contains an entry for this variant (Variation ID: 450005).

DBGen Ocular Genomics
Classification: Pathogenic for Leber congenital amaurosis 15. Last evaluated: 2021-06-23. Review status: criteria provided, single submitter. Criteria: ACMG Guidelines, 2015. Collection method: clinical testing. Allele origin: germline. Affected: yes. Observed: 1 variant allele.

Literature cited by the submitters: PubMed 8606774 (cited by Labcorp Genetics (formerly Invitae), Labcorp); PubMed 10549638 (cited by Labcorp Genetics (formerly Invitae), Labcorp); PubMed 15024725 (cited by Labcorp Genetics (formerly Invitae), Labcorp); PubMed 18055821 (cited by Labcorp Genetics (formerly Invitae), Labcorp).

NM_003322.6(TULP1):c.1024C>T (p.Arg342Ter)

Gene: TULP1 (TUB like protein 1; minus strand). Cytogenetic location: 6p21.31.
Variant type: single nucleotide variant.
Coding change: c.1024C>T on transcript NM_003322.6 (MANE Select); coding-DNA position 1024, C replaced by T.
Protein change: p.Arg342Ter; replaces arginine 342 with a stop codon.
Molecular consequence: nonsense.
Genome position (GRCh38, 1-based): chr6:35,505,829, G>A on the plus strand (C>T on the coding strand, the complement: TULP1 is on the minus strand). VCF-style: chr6-35505829-G-A. GRCh37 (hg19) VCF-style: chr6-35473606-G-A.
Other names: c.865C>T, p.Arg289Ter (NM_001289395.2); short protein forms R342*, R289*.
Identifiers: ClinVar variation 450005 (VCV000450005.11), dbSNP rs767030473, ClinGen allele CA363779845.